The following is an entry in ClinVar:

NM_003322.6(TULP1):c.919T>C (p.Cys307Arg)

Gene: TULP1 (TUB like protein 1; minus strand). Cytogenetic location: 6p21.31.
Variant type: single nucleotide variant.
Coding change: c.919T>C on transcript NM_003322.6 (MANE Select); coding-DNA position 919, T replaced by C.
Protein change: p.Cys307Arg; replaces cysteine 307 with arginine.
Molecular consequence: missense variant.
Genome position (GRCh38, 1-based): chr6:35,506,083, A>G on the plus strand (T>C on the coding strand, the complement: TULP1 is on the minus strand). VCF-style: chr6-35506083-A-G. GRCh37 (hg19) VCF-style: chr6-35473860-A-G.
Other names: c.760T>C, p.Cys254Arg (NM_001289395.2); short protein forms C254R, C307R.
Identifiers: ClinVar variation 2090496 (VCV002090496.1), dbSNP rs2533796089, ClinGen allele CA363780264.

ClinVar aggregate classification (germline): Uncertain significance (1 of 4 stars; one submission).

Allele frequency attached by ClinVar (database versions not stated): gnomAD exomes below 0.00001.
gnomAD v4.1: 1 of 1,613,682 alleles (0.000062%); highest among the groups gnomAD compares: Non-Finnish European, 0.000085%; no homozygotes.

Submission:

Labcorp Genetics (formerly Invitae), Labcorp
Classification: Uncertain significance. Last evaluated: 2022-06-29. Review status: criteria provided, single submitter. Criteria: Invitae Variant Classification Sherloc (09022015). Collection method: clinical testing. Allele origin: germline.
Comment: This sequence change replaces cysteine, which is neutral and slightly polar, with arginine, which is basic and polar, at codon 307 of the TULP1 protein (p.Cys307Arg). This variant is not present in population databases (gnomAD no frequency). This missense change has been observed in individual(s) with clinical features of TULP1-related conditions (Invitae). Algorithms developed to predict the effect of missense changes on protein structure and function are either unavailable or do not agree on the potential impact of this missense change (SIFT: "Not Available"; PolyPhen-2: "Probably Damaging"; Align-GVGD: "Not Available"). In summary, the available evidence is currently insufficient to determine the role of this variant in disease. Therefore, it has been classified as a Variant of Uncertain Significance.